The following is an entry in ClinVar:

NM_000638.4(VTN):c.803G>A (p.Arg268Gln)

Gene: VTN (vitronectin; minus strand). Cytogenetic location: 17q11.2.
Variant type: single nucleotide variant.
Coding change: c.803G>A on transcript NM_000638.4 (MANE Select); coding-DNA position 803, G replaced by A.
Protein change: p.Arg268Gln; replaces arginine 268 with glutamine.
Molecular consequence: missense variant.
Genome position (GRCh38, 1-based): chr17:28,368,895, C>T on the plus strand (G>A on the coding strand, the complement: VTN is on the minus strand). VCF-style: chr17-28368895-C-T. GRCh37 (hg19) VCF-style: chr17-26695916-C-T.
Other names: short protein forms R268Q.
Identifiers: ClinVar variation 3041993 (VCV003041993.2), dbSNP rs2227723, ClinGen allele CA8457536.

ClinVar aggregate classification (germline): Benign (0 of 4 stars; one submission).

Conditions:
VTN-related disorder. Also called: VTN-related condition.

Allele frequency attached by ClinVar (database versions not stated): ExAC 0.00223; 1000 Genomes Project 0.00619; gnomAD 0.00632; ESP Exome Variant Server 0.00692; TOPMed 0.00707; 1000 Genomes Project 30x 0.00718.
gnomAD v4.1: 1,893 of 1,613,606 alleles (0.12%); highest among the groups gnomAD compares: African/African-American, 2.3%; 21 homozygotes.

Submission:

PreventionGenetics, part of Exact Sciences
Classification: Benign for VTN-related condition. Last evaluated: 2019-11-25. Review status: no assertion criteria provided. Collection method: clinical testing. Allele origin: germline.
Comment: This variant is classified as benign based on ACMG/AMP sequence variant interpretation guidelines (Richards et al. 2015 PMID: 25741868, with internal and published modifications).